The following is an entry in ClinVar:

NM_006258.4(PRKG1):c.284C>T (p.Thr95Ile)

Gene: PRKG1 (protein kinase cGMP-dependent 1; plus strand). Cytogenetic location: 10q11.23.
Variant type: single nucleotide variant.
Coding change: c.284C>T on transcript NM_006258.4 (MANE Select); coding-DNA position 284, C replaced by T.
Protein change: p.Thr95Ile; replaces threonine 95 with isoleucine.
Molecular consequence: missense variant. On other transcripts: intron variant (1).
Genome position (GRCh38, 1-based): chr10:51,074,874, C>T. VCF-style: chr10-51074874-C-T. GRCh37 (hg19) VCF-style: chr10-52834634-C-T.
Other names: c.284C>T, p.Thr95Ile (NM_001374782.1); c.267-78290C>T (NM_001098512.3); short protein forms T95I.
Identifiers: ClinVar variation 2859853 (VCV002859853.3), dbSNP rs2493152848, ClinGen allele CA376827203.
Genomic context (GRCh38, chr10:51,074,874, plus strand): 5'-AGCGGCAGGCGATCTCCGCCGAGCCCACCGCCTTCGACATCCAGGATCTCAGCCATGTGA[C>T]CCTGCCCTTCTACCCCAAGAGCCCACAGTAAGCAGGGGTGACGCGCCGGGTCCATGTGGC-3'
Protein context (NP_006249.1, residues 85-105): AFDIQDLSHV[Thr95Ile]LPFYPKSPQS

ClinVar aggregate classification (germline): Uncertain significance (1 of 4 stars; one submission).

Conditions:
Aortic aneurysm, familial thoracic 8 (AAT8). Identifiers: MedGen C3809513, MONDO:0014187, OMIM 615436.

Submission:

Labcorp Genetics (formerly Invitae), Labcorp
Classification: Uncertain significance for Aortic aneurysm, familial thoracic 8. Last evaluated: 2023-05-01. Review status: criteria provided, single submitter. Criteria: Invitae Variant Classification Sherloc (09022015). Collection method: clinical testing. Allele origin: germline.
Comment: In summary, the available evidence is currently insufficient to determine the role of this variant in disease. Therefore, it has been classified as a Variant of Uncertain Significance. An algorithm developed to predict the effect of missense changes on protein structure and function (PolyPhen-2) suggests that this variant is likely to be tolerated. This variant has not been reported in the literature in individuals affected with PRKG1-related conditions. This variant is not present in population databases (gnomAD no frequency). This sequence change replaces threonine, which is neutral and polar, with isoleucine, which is neutral and non-polar, at codon 95 of the PRKG1 protein (p.Thr95Ile).